The following is an entry in ClinVar:

ClinVar aggregate classification (germline): Uncertain significance (1 of 4 stars; one submission).

gnomAD v4.1: 10 of 1,613,606 alleles (0.00062%); highest among the groups gnomAD compares: East Asian, 0.0045%; no homozygotes.

Submission:

Labcorp Genetics (formerly Invitae), Labcorp
Classification: Uncertain significance. Last evaluated: 2024-10-31. Review status: criteria provided, single submitter. Criteria: Invitae Variant Classification Sherloc (09022015). Collection method: clinical testing. Allele origin: germline.
Comment: This sequence change replaces threonine, which is neutral and polar, with methionine, which is neutral and non-polar, at codon 185 of the SEMA4A protein (p.Thr185Met). This variant is present in population databases (rs527470492, gnomAD 0.007%). This variant has not been reported in the literature in individuals affected with SEMA4A-related conditions. Invitae Evidence Modeling of protein sequence and biophysical properties (such as structural, functional, and spatial information, amino acid conservation, physicochemical variation, residue mobility, and thermodynamic stability) indicates that this missense variant is expected to disrupt SEMA4A protein function with a positive predictive value of 80%. In summary, the available evidence is currently insufficient to determine the role of this variant in disease. Therefore, it has been classified as a Variant of Uncertain Significance.

NM_022367.4(SEMA4A):c.554C>T (p.Thr185Met)

Gene: SEMA4A (semaphorin 4A; plus strand). Cytogenetic location: 1q22.
Variant type: single nucleotide variant.
Coding change: c.554C>T on transcript NM_022367.4 (MANE Select); coding-DNA position 554, C replaced by T.
Protein change: p.Thr185Met; replaces threonine 185 with methionine.
Molecular consequence: missense variant.
Genome position (GRCh38, 1-based): chr1:156,158,810, C>T. VCF-style: chr1-156158810-C-T. GRCh37 (hg19) VCF-style: chr1-156128601-C-T.
Other names: c.554C>T, p.Thr185Met (NM_001193300.2, NM_001193301.2, NM_001370567.1); c.158C>T, p.Thr53Met (NM_001193302.2); c.257C>T, p.Thr86Met (NM_001370568.1); c.47C>T, p.Thr16Met (NM_001370569.1, NM_001370571.1); short protein forms T16M, T185M, T86M, T53M.
Identifiers: ClinVar variation 3693651 (VCV003693651.2).
Genomic context (GRCh38, chr1:156,158,810, plus strand): 5'-CGGAGGACAAGGTCATGGAGGGAAAAGGCCAAAGCCCCTTTGACCCCGCTCACAAGCATA[C>T]GGCTGTCTTGGTGGGTGAGTATCAGGTTTCCCACTTCATCCCAACATCTACTTTCTCCAG-3'
Protein context (NP_071762.2, residues 175-195): QSPFDPAHKH[Thr185Met]AVLVDGMLYS